The following is an entry in ClinVar:

ClinVar aggregate classification (germline): Uncertain significance (1 of 4 stars; one submission).

Conditions:
Saldino-Mainzer syndrome (SRTD9). Also called: CONORENAL SYNDROME; Renal dysplasia, retinal pigmentary dystrophy, cerebellar ataxia and skeletal dysplasia; SHORT-RIB THORACIC DYSPLASIA 9 WITHOUT POLYDACTYLY; short-rib thoracic dysplasia 9 with or without polydactyly. Identifiers: Orphanet 140969, MedGen C1849437, MONDO:0009964, OMIM 266920.

Submission:

Labcorp Genetics (formerly Invitae), Labcorp
Classification: Uncertain significance for Saldino-Mainzer syndrome. Last evaluated: 2022-03-15. Review status: criteria provided, single submitter. Criteria: Invitae Variant Classification Sherloc (09022015). Collection method: clinical testing. Allele origin: germline.
Comment: In summary, the available evidence is currently insufficient to determine the role of this variant in disease. Therefore, it has been classified as a Variant of Uncertain Significance. Algorithms developed to predict the effect of missense changes on protein structure and function are either unavailable or do not agree on the potential impact of this missense change (SIFT: "Deleterious"; PolyPhen-2: "Benign"; Align-GVGD: "Class C0"). This variant has not been reported in the literature in individuals affected with IFT140-related conditions. This variant is not present in population databases (gnomAD no frequency). This sequence change replaces glutamine, which is neutral and polar, with arginine, which is basic and polar, at codon 855 of the IFT140 protein (p.Gln855Arg).

NM_014714.4(IFT140):c.2564A>G (p.Gln855Arg)

Gene: IFT140 (intraflagellar transport 140; minus strand). Cytogenetic location: 16p13.3.
Variant type: single nucleotide variant.
Coding change: c.2564A>G on transcript NM_014714.4 (MANE Select); coding-DNA position 2564, A replaced by G.
Protein change: p.Gln855Arg; replaces glutamine 855 with arginine.
Molecular consequence: missense variant.
Genome position (GRCh38, 1-based): chr16:1,526,632, T>C on the plus strand (A>G on the coding strand, the complement: IFT140 is on the minus strand). VCF-style: chr16-1526632-T-C. GRCh37 (hg19) VCF-style: chr16-1576633-T-C.
Other names: short protein forms Q855R.
Identifiers: ClinVar variation 2049774 (VCV002049774.4), dbSNP rs2506135059, ClinGen allele CA394228012.